The following is an entry in ClinVar:

NM_001035.3(RYR2):c.4843C>T (p.Gln1615Ter)

Gene: RYR2 (ryanodine receptor 2; plus strand). Cytogenetic location: 1q43.
Variant type: single nucleotide variant.
Coding change: c.4843C>T on transcript NM_001035.3 (MANE Select); coding-DNA position 4843, C replaced by T.
Protein change: p.Gln1615Ter; replaces glutamine 1615 with a stop codon.
Molecular consequence: nonsense.
Genome position (GRCh38, 1-based): chr1:237,610,921, C>T. VCF-style: chr1-237610921-C-T. GRCh37 (hg19) VCF-style: chr1-237774221-C-T.
Other names: short protein forms Q1615*.
Identifiers: ClinVar variation 2118343 (VCV002118343.4), dbSNP rs2546767829, ClinGen allele CA345402744.
Genomic context (GRCh38, chr1:237,610,921, plus strand): 5'-CTGTGGAGCAGAATGCCCAACCAGTTTTTGAAGGTAGATGTGTCTCGAATAAGTGAACGC[C>T]AAGGCTGGTTGGTGCAGTGTTTGGATCCTCTGCAGTTCATGTCTCTTCATATCCCTGAGG-3'

ClinVar aggregate classification (germline): Uncertain significance (1 of 4 stars; one submission).

Conditions:
Catecholaminergic polymorphic ventricular tachycardia 1. Also called: VENTRICULAR TACHYCARDIA, CATECHOLAMINERGIC POLYMORPHIC, 1, WITH OR WITHOUT ATRIAL DYSFUNCTION AND/OR DILATED CARDIOMYOPATHY; RYR2-Related Catecholaminergic Polymorphic Ventricular Tachycardia; VENTRICULAR TACHYCARDIA, STRESS-INDUCED POLYMORPHIC 1. Identifiers: Orphanet 3286, MedGen C1631597, MONDO:0011484, OMIM 604772.

Submission:

Labcorp Genetics (formerly Invitae), Labcorp
Classification: Uncertain significance for Catecholaminergic polymorphic ventricular tachycardia 1. Last evaluated: 2022-03-27. Review status: criteria provided, single submitter. Criteria: Invitae Variant Classification Sherloc (09022015). Collection method: clinical testing. Allele origin: germline.
Comment: This sequence change creates a premature translational stop signal (p.Gln1615*) in the RYR2 gene. It is expected to result in an absent or disrupted protein product. However, the current clinical and genetic evidence is not sufficient to establish whether loss-of-function variants in RYR2 cause disease. This variant is not present in population databases (gnomAD no frequency). This variant has not been reported in the literature in individuals affected with RYR2-related conditions. Algorithms developed to predict the effect of sequence changes on RNA splicing suggest that this variant may disrupt the consensus splice site. In summary, the available evidence is currently insufficient to determine the role of this variant in disease. Therefore, it has been classified as a Variant of Uncertain Significance.